The following is an entry in ClinVar:

NM_000057.4(BLM):c.2818dup (p.Cys940fs)

Gene: BLM (BLM RecQ like helicase; plus strand). Cytogenetic location: 15q26.1.
Variant type: Duplication.
Coding change: c.2818dup on transcript NM_000057.4 (MANE Select); coding-DNA position 2818, one base duplicated (T; older notation c.2818dupT).
Protein change: p.Cys940fs; shifts the reading frame from cysteine 940.
Molecular consequence: frameshift variant.
Genome position (GRCh38, 1-based): chr15:90,785,076, T duplicated. VCF-style (leftmost placement, unchanged base first): chr15-90785075-C-CT. GRCh37 (hg19) VCF-style: chr15-91328305-C-CT.
Other names: c.2818dup, p.Cys940fs (NM_001287246.2, NM_001287247.2); c.1693dup, p.Cys565fs (NM_001287248.2); short protein forms C940fs, C565fs.
Identifiers: ClinVar variation 1401580 (VCV001401580.6), dbSNP rs2151179952, ClinGen allele CA2573151436.

ClinVar aggregate classification (germline): Pathogenic (1 of 4 stars; one submission).

Conditions:
Bloom syndrome (BLM). Also called: Bloom-Torre-Machacek syndrome. Identifiers: Orphanet 125, MedGen C0005859, MONDO:0008876, OMIM 210900.

Submission:

Labcorp Genetics (formerly Invitae), Labcorp
Classification: Pathogenic for Bloom syndrome. Last evaluated: 2021-09-16. Review status: criteria provided, single submitter. Criteria: Invitae Variant Classification Sherloc (09022015). Collection method: clinical testing. Allele origin: germline.
Comment: For these reasons, this variant has been classified as Pathogenic. This variant has not been reported in the literature in individuals affected with BLM-related conditions. This variant is not present in population databases (ExAC no frequency). This sequence change creates a premature translational stop signal (p.Cys940Leufs*15) in the BLM gene. It is expected to result in an absent or disrupted protein product. Loss-of-function variants in BLM are known to be pathogenic (PMID: 17407155).

Literature cited by the submitters: PubMed 17407155.